The following is an entry in ClinVar:

ClinVar aggregate classification (germline): Conflicting classifications of pathogenicity. Review status: criteria provided, conflicting classifications (1 of 4 stars). 3 submissions from 3 submitters: Uncertain significance (1); Benign (1); Likely benign (1). Last evaluated 2026-04-24.

Conditions:
Colorectal cancer, susceptibility to, 1. Also called: COLORECTAL ADENOMA AND CANCER, SUSCEPTIBILITY TO; COLORECTAL CANCER, SUSCEPTIBILITY TO, ON CHROMOSOME 9. Identifiers: MedGen C1837315, MONDO:0012132, OMIM 608812.

gnomAD v4.1: 2 of 1,614,226 alleles (0.00012%); highest among the groups gnomAD compares: Non-Finnish European, 0.00017%; no homozygotes.

Submissions (3):

Myriad Genetics, Inc.
Classification: Benign for Colorectal cancer, susceptibility to, 1. Last evaluated: 2026-04-24. Review status: criteria provided, single submitter. Criteria: Myriad Autosomal Dominant, Autosomal Recessive and X-Linked Classification Criteria (2023). Collection method: clinical testing. Allele origin: unknown.
Comment: This variant is considered benign. This variant is a silent/synonymous amino acid change and it is not expected to impact splicing.

Ambry Genetics
Classification: Likely benign. Last evaluated: 2024-04-10. Review status: criteria provided, single submitter. Criteria: Ambry Variant Classification Scheme 2023. Collection method: clinical testing. Allele origin: germline.

Fulgent Genetics
Classification: Uncertain significance for Colorectal cancer, susceptibility to, 1. Last evaluated: 2024-01-22. Review status: criteria provided, single submitter. Criteria: ACMG Guidelines, 2015. Collection method: clinical testing. Allele origin: germline.

NM_024642.5(GALNT12):c.759G>A (p.Val253=)

Gene: GALNT12 (polypeptide N-acetylgalactosaminyltransferase 12; plus strand). Cytogenetic location: 9q22.33.
Variant type: single nucleotide variant.
Coding change: c.759G>A on transcript NM_024642.5 (MANE Select); coding-DNA position 759, G replaced by A.
Protein change: p.Val253=; no amino-acid change (valine 253 retained).
Molecular consequence: synonymous variant.
Genome position (GRCh38, 1-based): chr9:98,831,799, G>A. VCF-style: chr9-98831799-G-A. GRCh37 (hg19) VCF-style: chr9-101594081-G-A.
Identifiers: ClinVar variation 3280550 (VCV003280550.3).